The following is an entry in ClinVar:

NM_024642.5(GALNT12):c.1606-19A>G

Genes: GALNT12 (polypeptide N-acetylgalactosaminyltransferase 12; plus strand), LOC121811712 (Sharpr-MPRA regulatory region 15412; plus strand). Cytogenetic location: 9q22.33.
Variant type: single nucleotide variant.
Coding change: c.1606-19A>G on transcript NM_024642.5 (MANE Select); 19 bases into the intron before coding-DNA position 1606, A replaced by G.
Molecular consequence: intron variant.
Genome position (GRCh38, 1-based): chr9:98,848,933, A>G. VCF-style: chr9-98848933-A-G. GRCh37 (hg19) VCF-style: chr9-101611215-A-G.
Identifiers: ClinVar variation 4876152 (VCV004876152.1).
Genomic context (GRCh38, chr9:98,848,933, plus strand): 5'-CCCTGATCTCTTTAAAACATGTCTTTAGGAAAAAGAGACTTTTCTGATGACTTGCCTGTC[A>G]TTCTGTTATCTTTTGTAGGATGGATCTTTATTTCACGAACAGTCCAAGAAATGTGTCCAG-3'

ClinVar aggregate classification (germline): Likely benign (1 of 4 stars; one submission).

Conditions:
Colorectal cancer, susceptibility to, 1. Also called: COLORECTAL ADENOMA AND CANCER, SUSCEPTIBILITY TO; COLORECTAL CANCER, SUSCEPTIBILITY TO, ON CHROMOSOME 9. Identifiers: MedGen C1837315, MONDO:0012132, OMIM 608812.

gnomAD v4.1: 1 of 1,614,178 alleles (0.000062%); highest among the groups gnomAD compares: East Asian, 0.0022%; no homozygotes.

Submission:

Myriad Genetics, Inc.
Classification: Likely benign for Colorectal cancer, susceptibility to, 1. Last evaluated: 2026-04-22. Review status: criteria provided, single submitter. Criteria: Myriad Autosomal Dominant, Autosomal Recessive and X-Linked Classification Criteria (2023). Collection method: clinical testing. Allele origin: unknown.
Comment: This variant is considered likely benign. This variant is intronic and is not expected to impact mRNA splicing.